The following is an entry in ClinVar:

NM_005045.4(RELN):c.7086C>T (p.Thr2362=)

Gene: RELN (reelin; minus strand). Cytogenetic location: 7q22.1.
Variant type: single nucleotide variant.
Coding change: c.7086C>T on transcript NM_005045.4 (MANE Select); coding-DNA position 7086, C replaced by T.
Protein change: p.Thr2362=; no amino-acid change (threonine 2362 retained).
Molecular consequence: synonymous variant.
Genome position (GRCh38, 1-based): chr7:103,539,172, G>A on the plus strand (C>T on the coding strand, the complement: RELN is on the minus strand). VCF-style: chr7-103539172-G-A. GRCh37 (hg19) VCF-style: chr7-103179619-G-A.
Other names: c.7086C>T, p.Thr2362= (NM_173054.3).
Identifiers: ClinVar variation 130138 (VCV000130138.26), dbSNP rs362747, ClinGen allele CA154935.
Genomic context (GRCh38, chr7:103,539,172, plus strand): 5'-GAAGTCTATCTGTAGGAAGGAATCCTCATTCACGGCAACGTCTGTGCTGACCACGTAACG[G>A]GTGCTGGCCTTTTCAATGAAGACCAGGGCATCACCAGTAGAGCCACACACGGGCATCTTG-3'
Protein context (NP_005036.2, residues 2352-2372): DALVFIEKAS[Thr2362=]RYVVSTDVAV

ClinVar aggregate classification (germline): Benign/Likely benign. Review status: criteria provided, multiple submitters, no conflicts (2 of 4 stars). 8 submissions from 8 submitters: Benign (3); Likely benign (2). 3 of the submissions do not count toward it. Last evaluated 2026-02-03.

Conditions:
Norman-Roberts syndrome (LIS2). Also called: Lissencephaly 2 (Norman-Roberts type). Identifiers: Orphanet 89844, MedGen C0796089, MONDO:0009760, OMIM 257320.
Familial temporal lobe epilepsy 7. Identifiers: Orphanet 101046, MedGen C4225327, MONDO:0014639, OMIM 616436.

Allele frequency attached by ClinVar (database versions not stated): gnomAD exomes 0.00300; ExAC 0.00376; 1000 Genomes Project 0.00899; 1000 Genomes Project 30x 0.00953; TOPMed 0.01190; ESP Exome Variant Server 0.01353.
gnomAD v4.1: 3,311 of 1,614,212 alleles (0.21%); highest among the groups gnomAD compares: African/African-American, 3.8%; 55 homozygotes.

Submissions (8):

Labcorp Genetics (formerly Invitae), Labcorp
Classification: Benign for Familial temporal lobe epilepsy 7; Norman-Roberts syndrome. Last evaluated: 2026-02-03. Review status: criteria provided, single submitter. Criteria: Invitae Variant Classification Sherloc (09022015). Collection method: clinical testing. Allele origin: germline.

Athena Diagnostics
Classification: Benign. Last evaluated: 2025-05-09. Review status: criteria provided, single submitter. Criteria: Athena Diagnostics Criteria. Collection method: clinical testing. Allele origin: unknown.
Comment: The frequency of this variant in the general population is higher than would generally be expected for pathogenic variants in this gene.

Illumina Laboratory Services, Illumina
Classification: Likely benign for Norman-Roberts syndrome. Last evaluated: 2017-04-27. Review status: criteria provided, single submitter. Criteria: ICSL Variant Classification Criteria 13 December 2019. Collection method: clinical testing. Allele origin: germline.
Comment: This variant was observed as part of a predisposition screen in an ostensibly healthy population. A literature search was performed for the gene, cDNA change, and amino acid change (where applicable). No publications were found based on this search. Allele frequency data from public databases allowed determination this variant is unlikely to cause disease. Therefore, this variant is classified as likely benign.

GeneDx
Classification: Benign. Last evaluated: 2015-03-03. Review status: criteria provided, single submitter. Criteria: GeneDx Variant Classification Process June 2021. Collection method: clinical testing. Allele origin: germline. Affected: yes.

Breakthrough Genomics
Classification: Likely benign. Review status: criteria provided, single submitter. Criteria: ACMG Guidelines, 2015. Collection method: not provided. Allele origin: germline. Inheritance: Autosomal recessive inheritance. Affected: yes.

Clinical Genetics DNA and cytogenetics Diagnostics Lab, Erasmus MC, Erasmus Medical Center
Classification: Benign. Review status: no assertion criteria provided. Collection method: clinical testing. Allele origin: germline. Affected: yes. Study: VKGL Data-share Consensus. Not counted in ClinVar's aggregate classification.

Clinical Genetics, Academic Medical Center
Classification: Benign. Review status: no assertion criteria provided. Collection method: clinical testing. Allele origin: germline. Affected: yes. Study: VKGL Data-share Consensus. Not counted in ClinVar's aggregate classification.

Genetic Services Laboratory, University of Chicago
Classification: Likely benign for AllHighlyPenetrant. Review status: no assertion criteria provided. Collection method: clinical testing. Allele origin: germline. Inheritance: Autosomal recessive inheritance. Not counted in ClinVar's aggregate classification.
Comment: Likely benign based on allele frequency in 1000 Genomes Project or ESP global frequency and its presence in a patient with a rare or unrelated disease phenotype. NOT Sanger confirmed.